The following is an entry in ClinVar:

NM_012463.4(ATP6V0A2):c.1627C>T (p.Arg543Cys)

Gene: ATP6V0A2 (ATPase H+ transporting V0 subunit a2; plus strand). Cytogenetic location: 12q24.31.
Variant type: single nucleotide variant.
Coding change: c.1627C>T on transcript NM_012463.4 (MANE Select); coding-DNA position 1627, C replaced by T.
Protein change: p.Arg543Cys; replaces arginine 543 with cysteine.
Molecular consequence: missense variant.
Genome position (GRCh38, 1-based): chr12:123,747,628, C>T. VCF-style: chr12-123747628-C-T. GRCh37 (hg19) VCF-style: chr12-124232175-C-T.
Other names: short protein forms R543C.
Identifiers: ClinVar variation 3359878 (VCV003359878.2).

ClinVar aggregate classification (germline): Uncertain significance. Review status: criteria provided, multiple submitters, no conflicts (2 of 4 stars). 2 submissions from 2 submitters: Uncertain significance (2). Last evaluated 2024-12-05.

Conditions:
Inborn genetic diseases. Identifiers: MedGen C0950123, MeSH D030342.

Submissions (2):

Ambry Genetics
Classification: Uncertain significance for Inborn genetic diseases. Last evaluated: 2024-12-05. Review status: criteria provided, single submitter. Criteria: Ambry Variant Classification Scheme 2023. Collection method: clinical testing. Allele origin: germline.

GeneDx
Classification: Uncertain significance. Last evaluated: 2023-06-20. Review status: criteria provided, single submitter. Criteria: GeneDx Variant Classification Process June 2021. Collection method: clinical testing. Allele origin: germline. Affected: yes.
Comment: Not observed at significant frequency in large population cohorts (gnomAD); In silico analysis supports that this missense variant has a deleterious effect on protein structure/function; Has not been previously published as pathogenic or benign to our knowledge